The following is an entry in ClinVar:

NM_170606.3(KMT2C):c.1759_1769del (p.Gln587fs)

Gene: KMT2C (lysine methyltransferase 2C; minus strand). Cytogenetic location: 7q36.1.
Variant type: Deletion.
Coding change: c.1759_1769del on transcript NM_170606.3 (MANE Select); coding-DNA positions 1759 to 1769, 11 bases deleted (CAACAGAAGAG).
Protein change: p.Gln587fs; shifts the reading frame from glutamine 587.
Molecular consequence: frameshift variant.
Genome position (GRCh38, 1-based): chr7:152,249,920-152,249,930, CTCTTCTGTTG deleted on the plus strand (CAACAGAAGAG on the coding strand, the reverse complement: KMT2C is on the minus strand); deleting any 11 consecutive bases within chr7:152,249,920-152,249,936 gives the same sequence; the c. name uses the placement nearest the transcript's 3' end. VCF-style (leftmost placement, unchanged base first): chr7-152249919-ACTCTTCTGTTG-A. GRCh37 (hg19) VCF-style: chr7-151947004-ACTCTTCTGTTG-A.
Other names: short protein forms Q587fs.
Identifiers: ClinVar variation 1727001 (VCV001727001.2), dbSNP rs2485846446, ClinGen allele CA2580614295.

ClinVar aggregate classification (germline): Pathogenic (0 of 4 stars; one submission).

Conditions:
Kleefstra syndrome 2 (KLEFS2). Identifiers: MedGen C4540395, MONDO:0054701, OMIM 617768.

Submission:

Applied Translational Genetics Group, University of Auckland
Classification: Pathogenic for Kleefstra syndrome 2. Review status: no assertion criteria provided. Collection method: research. Allele origin: de novo. Inheritance: Autosomal dominant inheritance. Affected: yes. Observed: 1 heterozygote.
Comment: The p.Gln587SerfsTer7 variant result in early termination of the KMT2C protein. To date, this is the 2nd most 5' nonsense mutation reported, and critically the enzymatically active SET domain has been abolished. Truncating mutations in this gene result in Kleefstra Syndrome 2, a neurodevelopmental disorder presenting with intellectual disability, delayed growth, mild dysmorphic features, and neuropsychiatric traits.

Literature cited by the submitters: PubMed 29276005; PubMed 22726846; PubMed 29069077; PubMed 33619735.